The following is an entry in ClinVar:

NM_000059.4(BRCA2):c.5020A>G (p.Ser1674Gly)

Gene: BRCA2 (BRCA2 DNA repair associated; plus strand). Cytogenetic location: 13q13.1.
Variant type: single nucleotide variant.
Coding change: c.5020A>G on transcript NM_000059.4 (MANE Select); coding-DNA position 5020, A replaced by G.
Protein change: p.Ser1674Gly; replaces serine 1674 with glycine.
Molecular consequence: missense variant.
Genome position (GRCh38, 1-based): chr13:32,339,375, A>G. VCF-style: chr13-32339375-A-G. GRCh37 (hg19) VCF-style: chr13-32913512-A-G.
Other names: NP_000050.3:p.Ser1674Gly; short protein forms S1674G.
Identifiers: ClinVar variation 51756 (VCV000051756.41), dbSNP rs80358725, ClinGen allele CA021135.

ClinVar aggregate classification (germline): Conflicting classifications of pathogenicity. Review status: criteria provided, conflicting classifications (1 of 4 stars). 16 submissions from 16 submitters: Uncertain significance (1); Benign (1); Likely benign (9). 5 of the submissions do not count toward it. Last evaluated 2026-01-20.

Conditions:
Hereditary breast ovarian cancer syndrome. Also called: Hereditary breast and ovarian cancer syndrome; Hereditary breast and ovarian cancer; Hereditary breast and ovarian cancer syndrome (HBOC); Breast and ovarian cancer; Hereditary breast and/or ovarian cancer syndrome; BRCA1- and BRCA2-Associated Hereditary Breast and Ovarian Cancer. Identifiers: Orphanet 145, MedGen C0677776, MeSH D061325, MONDO:0003582. Disease mechanism: loss of function.
BRCA2-related disorder. Also called: BRCA2-related condition; BRCA2-related disorders. Identifiers: MedGen CN239275.
BRCA2-related cancer predisposition. Identifiers: MedGen CN377758, MONDO:0700269.
Hereditary cancer-predisposing syndrome. Also called: Neoplastic Syndromes, Hereditary; Tumor predisposition; Hereditary neoplastic syndrome; Hereditary Cancer Syndrome. Identifiers: Orphanet 140162, MedGen C0027672, MeSH D009386, MONDO:0015356.
Breast-ovarian cancer, familial, susceptibility to, 2 (BROVCA2). Also called: BRCA2 Hereditary Breast and Ovarian Cancer. Identifiers: Orphanet 145, MedGen C2675520, MONDO:0012933, OMIM 612555. Disease mechanism: loss of function.

Allele frequency attached by ClinVar (database versions not stated): ExAC 0.00002; gnomAD exomes 0.00002 and 0.00003; TOPMed 0.00017; gnomAD 0.00019 and 0.00020.
gnomAD v4.1: 55 of 1,593,894 alleles (0.0035%); highest among the groups gnomAD compares: African/African-American, 0.054%; 1 homozygote.

Submissions (16):

Labcorp Genetics (formerly Invitae), Labcorp
Classification: Likely benign for Hereditary breast ovarian cancer syndrome. Last evaluated: 2026-01-20. Review status: criteria provided, single submitter. Criteria: Invitae Variant Classification Sherloc (09022015). Collection method: clinical testing. Allele origin: germline.

Women's Health and Genetics/Laboratory Corporation of America, LabCorp
Classification: Likely benign. Last evaluated: 2026-01-14. Review status: criteria provided, single submitter. Criteria: LabCorp Variant Classification Summary - May 2015. Collection method: clinical testing. Allele origin: germline.
Comment: Variant summary: BRCA2 c.5020A>G (p.Ser1674Gly) results in a non-conservative amino acid change in the encoded protein sequence. Algorithms developed to predict the effect of missense changes on protein structure and function are either unavailable or do not agree on the potential impact of this missense change. The variant allele was found at a frequency of 3.5e-05 in 1593894 control chromosomes, predominantly at a frequency of 0.00054 within the African or African-American subpopulation in the gnomAD database, including 1 homozygote. Although this frequency is not higher than the maximum expected for a pathogenic variant in BRCA2 causing Hereditary Breast and Ovarian Cancer Syndrome (0.00075), the homozygous occurrence suggests that the variant could be benign. In addition, this variant has been reported in 3/9884 American women who are older than age 70 and cancer free (FLOSSIES database). c.5020A>G has been reported in the literature in individuals with a personal or family history or risk of breast cancer (example, Borg_2010, Kim_2015, Pal_2015, Bishop_2019, Dorling_2021, deOliveira_2022, Pereira_2022, Zayas-Villanueva_2019, Purrington_2020, Bishop_2020). These report(s) do not provide unequivocal conclusions about association of the variant with Hereditary Breast And Ovarian Cancer Syndrome. Co-occurrences with other pathogenic variant(s) have been reported (BRCA2 c.8902dupA, p.Thr2968Asnfs*50), providing supporting evidence for a benign role. To our knowledge, no experimental evidence demonstrating an impact on protein function has been reported. The following publications have been ascertained in the context of this evaluation (PMID: 31415627, 20104584, 21520273, 31294896, 33471991, 26287763, 31131967, 35980532, 35534704, 31331294, 22722839, 34413315, 31112341, 32868316, 27052656, 32866190). ClinVar contains an entry for this variant (Variation ID: 51756). Based on the evidence outlined above, the variant was classified as likely benign.

ARUP Laboratories, Molecular Genetics and Genomics, ARUP Laboratories
Classification: Likely benign. Last evaluated: 2025-07-10. Review status: criteria provided, single submitter. Criteria: ARUP Molecular Germline Variant Investigation Process 2024. Collection method: clinical testing. Allele origin: germline.

Department of Pathology and Laboratory Medicine, Sinai Health System
Classification: Likely benign for BRCA2-related cancer predisposition. Last evaluated: 2023-10-24. Review status: criteria provided, single submitter. Criteria: ACMG Guidelines, 2015. Collection method: clinical testing. Allele origin: germline. Affected: yes.

GeneDx
Classification: Likely benign. Last evaluated: 2023-09-27. Review status: criteria provided, single submitter. Criteria: GeneDx Variant Classification Process June 2021. Collection method: clinical testing. Allele origin: germline. Affected: yes.
Comment: See Variant Classification Assertion Criteria.

Quest Diagnostics Nichols Institute San Juan Capistrano
Classification: Likely benign. Last evaluated: 2023-05-15. Review status: criteria provided, single submitter. Criteria: Quest Diagnostics criteria. Collection method: clinical testing. Allele origin: unknown.

University of Washington Department of Laboratory Medicine, University of Washington
Classification: Likely benign for Hereditary cancer-predisposing syndrome. Last evaluated: 2023-03-23. Review status: criteria provided, single submitter. Criteria: Dines et al. (Genet Med. 2020). Collection method: curation. Allele origin: germline.
Comment: Missense variant in a coldspot region where missense variants are very unlikely to be pathogenic (PMID:31911673).

BRCA2 exon 11 coldspot. Reclassification based on statistical prior probability.

National Health Laboratory Service, Universitas Academic Hospital and University of the Free State
Classification: Likely benign for Hereditary breast ovarian cancer syndrome. Last evaluated: 2022-04-19. Review status: criteria provided, single submitter. Criteria: ACMG Guidelines, 2015. Collection method: clinical testing. Allele origin: germline. Affected: yes. Observed: 2 variant alleles.

Sema4
Classification: Uncertain significance for Hereditary cancer-predisposing syndrome. Last evaluated: 2021-07-01. Review status: criteria provided, single submitter. Criteria: Sema4 Curation Guidelines. Collection method: curation. Allele origin: germline.
Comment: The BRCA2 c.5020A>G (p.S1674G) variant has been reported in individuals with breast cancer (PMID: 31415627, 26287763, 20104584, 33471991). It was observed in 11/23992 chromosomes of the African/African American subpopulation in the large and broad cohorts of the Genome Aggregation Database (PMID: 32461654). The variant has been reported in ClinVar (Variation ID 51756). In silico tools suggest the impact of the variant on protein function is inconclusive though these predictions have not been confirmed by functional studies. The evidence is insufficient to meet ACMG/AMP criteria for classifying the variant as benign or pathogenic. Thus, the clinical significance of this variant is currently uncertain.

Color Diagnostics, LLC DBA Color Health
Classification: Likely benign for Hereditary cancer-predisposing syndrome. Last evaluated: 2015-07-16. Review status: criteria provided, single submitter. Criteria: ACMG Guidelines, 2015. Collection method: clinical testing. Allele origin: germline.

Ambry Genetics
Classification: Benign for Hereditary cancer-predisposing syndrome. Last evaluated: 2015-06-10. Review status: criteria provided, single submitter. Criteria: Ambry Variant Classification Scheme 2023. Collection method: clinical testing. Allele origin: germline.

PreventionGenetics, part of Exact Sciences
Classification: Likely benign for BRCA2-related condition. Last evaluated: 2024-06-14. Review status: no assertion criteria provided. Collection method: clinical testing. Allele origin: germline. Not counted in ClinVar's aggregate classification.
Comment: This variant is classified as likely benign based on ACMG/AMP sequence variant interpretation guidelines (Richards et al. 2015 PMID: 25741868, with internal and published modifications).

Counsyl
Classification: Uncertain significance for Breast-ovarian cancer, familial, susceptibility to, 2. Last evaluated: 2016-02-12. Review status: no assertion criteria provided. Collection method: clinical testing. Allele origin: unknown. Not counted in ClinVar's aggregate classification.

Breast Cancer Information Core (BIC) (BRCA2)
Classification: Uncertain significance for Breast-ovarian cancer, familial 2. Last evaluated: 2002-05-29. Review status: no assertion criteria provided. Collection method: clinical testing. Allele origin: germline. Affected: yes. Observed: 2 variant alleles. Not counted in ClinVar's aggregate classification.

Clinical Genetics DNA and cytogenetics Diagnostics Lab, Erasmus MC, Erasmus Medical Center
Classification: Likely benign. Review status: no assertion criteria provided. Collection method: clinical testing. Allele origin: germline. Affected: yes. Study: VKGL Data-share Consensus. Not counted in ClinVar's aggregate classification.

Joint Genome Diagnostic Labs from Nijmegen and Maastricht, Radboudumc and MUMC+
Classification: Likely benign. Review status: no assertion criteria provided. Collection method: clinical testing. Allele origin: germline. Affected: yes. Study: VKGL Data-share Consensus. Not counted in ClinVar's aggregate classification.

Literature cited by the submitters: PubMed 22722839 (cited by 3 submitters); PubMed 20104584 (cited by 6 submitters); PubMed 21520273 (cited by 3 submitters); PubMed 26287763 (cited by 4 submitters); PubMed 31131967 (cited by Women's Health and Genetics/Laboratory Corporation of America, LabCorp and Quest Diagnostics Nichols Institute San Juan Capistrano); PubMed 31415627 (cited by 4 submitters); PubMed 31112341 (cited by Women's Health and Genetics/Laboratory Corporation of America, LabCorp); PubMed 31294896 (cited by Women's Health and Genetics/Laboratory Corporation of America, LabCorp and Quest Diagnostics Nichols Institute San Juan Capistrano); PubMed 31331294 (cited by Women's Health and Genetics/Laboratory Corporation of America, LabCorp); PubMed 32866190 (cited by Women's Health and Genetics/Laboratory Corporation of America, LabCorp); PubMed 33471991 (cited by 4 submitters); PubMed 34413315 (cited by Women's Health and Genetics/Laboratory Corporation of America, LabCorp); PubMed 32868316 (cited by Women's Health and Genetics/Laboratory Corporation of America, LabCorp); PubMed 35980532 (cited by Women's Health and Genetics/Laboratory Corporation of America, LabCorp and Quest Diagnostics Nichols Institute San Juan Capistrano); PubMed 35534704 (cited by Women's Health and Genetics/Laboratory Corporation of America, LabCorp); PubMed 27052656 (cited by Women's Health and Genetics/Laboratory Corporation of America, LabCorp); PubMed 31911673 (cited by Quest Diagnostics Nichols Institute San Juan Capistrano).